The following is an entry in ClinVar:

NM_000059.4(BRCA2):c.3110A>G (p.Gln1037Arg)

Gene: BRCA2 (BRCA2 DNA repair associated; plus strand). Cytogenetic location: 13q13.1.
Variant type: single nucleotide variant.
Coding change: c.3110A>G on transcript NM_000059.4 (MANE Select); coding-DNA position 3110, A replaced by G.
Protein change: p.Gln1037Arg; replaces glutamine 1037 with arginine.
Molecular consequence: missense variant.
Genome position (GRCh38, 1-based): chr13:32,337,465, A>G. VCF-style: chr13-32337465-A-G. GRCh37 (hg19) VCF-style: chr13-32911602-A-G.
Other names: short protein forms Q1037R.
Identifiers: ClinVar variation 566297 (VCV000566297.12), dbSNP rs1566227808, ClinGen allele CA387775409.

ClinVar aggregate classification (germline): Conflicting classifications of pathogenicity. Review status: criteria provided, conflicting classifications (1 of 4 stars). 4 submissions from 4 submitters: Uncertain significance (3); Likely benign (1). Last evaluated 2025-01-20.

Conditions:
Hereditary cancer-predisposing syndrome. Also called: Neoplastic Syndromes, Hereditary; Tumor predisposition; Hereditary neoplastic syndrome; Hereditary Cancer Syndrome. Identifiers: Orphanet 140162, MedGen C0027672, MeSH D009386, MONDO:0015356.
Hereditary breast ovarian cancer syndrome. Also called: Hereditary breast and ovarian cancer syndrome (HBOC); Hereditary breast and ovarian cancer; Hereditary breast and/or ovarian cancer syndrome; Hereditary breast and ovarian cancer syndrome; Breast and ovarian cancer; BRCA1- and BRCA2-Associated Hereditary Breast and Ovarian Cancer. Identifiers: Orphanet 145, MedGen C0677776, MeSH D061325, MONDO:0003582. Disease mechanism: loss of function.

Submissions (4):

Ambry Genetics
Classification: Uncertain significance for Hereditary cancer-predisposing syndrome. Last evaluated: 2025-01-20. Review status: criteria provided, single submitter. Criteria: Ambry Variant Classification Scheme 2023. Collection method: clinical testing. Allele origin: germline.
Comment: The p.Q1037R variant (also known as c.3110A>G), located in coding exon 10 of the BRCA2 gene, results from an A to G substitution at nucleotide position 3110. The glutamine at codon 1037 is replaced by arginine, an amino acid with highly similar properties. This amino acid position is not well conserved in available vertebrate species. In addition, this alteration is predicted to be tolerated by in silico analysis. Based on the available evidence, the clinical significance of this variant remains unclear.

Labcorp Genetics (formerly Invitae), Labcorp
Classification: Uncertain significance for Hereditary breast ovarian cancer syndrome. Last evaluated: 2023-09-23. Review status: criteria provided, single submitter. Criteria: Invitae Variant Classification Sherloc (09022015). Collection method: clinical testing. Allele origin: germline.
Comment: This sequence change replaces glutamine, which is neutral and polar, with arginine, which is basic and polar, at codon 1037 of the BRCA2 protein (p.Gln1037Arg). This variant is not present in population databases (gnomAD no frequency). This variant has not been reported in the literature in individuals affected with BRCA2-related conditions. ClinVar contains an entry for this variant (Variation ID: 566297). Advanced modeling of protein sequence and biophysical properties (such as structural, functional, and spatial information, amino acid conservation, physicochemical variation, residue mobility, and thermodynamic stability) performed at Invitae indicates that this missense variant is not expected to disrupt BRCA2 protein function. In summary, the available evidence is currently insufficient to determine the role of this variant in disease. Therefore, it has been classified as a Variant of Uncertain Significance.

University of Washington Department of Laboratory Medicine, University of Washington
Classification: Likely benign for Hereditary cancer-predisposing syndrome. Last evaluated: 2023-03-23. Review status: criteria provided, single submitter. Criteria: Dines et al. (Genet Med. 2020). Collection method: curation. Allele origin: germline.
Comment: Missense variant in a coldspot region where missense variants are very unlikely to be pathogenic (PMID:31911673).

BRCA2 exon 11 coldspot. Reclassification based on statistical prior probability.

Color Diagnostics, LLC DBA Color Health
Classification: Uncertain significance for Hereditary cancer-predisposing syndrome. Last evaluated: 2019-06-05. Review status: criteria provided, single submitter. Criteria: ACMG Guidelines, 2015. Collection method: clinical testing. Allele origin: germline.